The following is an entry in ClinVar:

ClinVar aggregate classification (germline): Uncertain significance (1 of 4 stars; one submission).

Submission:

Women's Health and Genetics/Laboratory Corporation of America, LabCorp
Classification: Uncertain significance. Last evaluated: 2025-01-13. Review status: criteria provided, single submitter. Criteria: LabCorp Variant Classification Summary - May 2015. Collection method: clinical testing. Allele origin: germline.
Comment: Variant summary: NOTCH3 c.200G>A (p.Cys67Tyr) results in a non-conservative amino acid change located in the EGF-like domain (IPR000742) of the encoded protein sequence. Five of five in-silico tools predict a damaging effect of the variant on protein function. Consensus agreement among computation tools predict no significant impact on normal splicing. However, these predictions have yet to be confirmed by functional studies. The variant was absent in 188688 control chromosomes. The available data on variant occurrences in the general population are insufficient to allow any conclusion about variant significance. c.200G>A has been reported in the literature in at least one individual affected with cerebral arteriopathy, autosomal dominant, with subcortical infarcts and leukoencephalopathy, type 1 (Moon_2003). Other missense variants at this amino acid postion have been submitted as pathogenic/likely pathogenic to ClinVar (p.Cys67Ser; ClinVar Variation ID: 1807398 and p.Cys67Phe; ClinVar Variation ID: 447806) suggesting this codon could be critical for normal function of the protein. These report(s) do not provide unequivocal conclusions about association of the variant with cerebral arteriopathy, autosomal dominant, with subcortical infarcts and leukoencephalopathy, type 1. To our knowledge, no experimental evidence demonstrating an impact on protein function has been reported. The following publication has been ascertained in the context of this evaluation (PMID: 12589106). No submitters have cited clinical-significance assessments for this variant to ClinVar. Based on the evidence outlined above, the variant was classified as uncertain significance.

Literature cited by the submitters: PubMed 12589106.

NM_000435.3(NOTCH3):c.200G>A (p.Cys67Tyr)

Gene: NOTCH3 (notch receptor 3; minus strand). Cytogenetic location: 19p13.12.
Variant type: single nucleotide variant.
Coding change: c.200G>A on transcript NM_000435.3 (MANE Select); coding-DNA position 200, G replaced by A.
Protein change: p.Cys67Tyr; replaces cysteine 67 with tyrosine.
Molecular consequence: missense variant.
Genome position (GRCh38, 1-based): chr19:15,192,517, C>T on the plus strand (G>A on the coding strand, the complement: NOTCH3 is on the minus strand). VCF-style: chr19-15192517-C-T. GRCh37 (hg19) VCF-style: chr19-15303328-C-T.
Other names: short protein forms C67Y.
Identifiers: ClinVar variation 3769140 (VCV003769140.2).